The following is an entry in ClinVar:

ClinVar aggregate classification (germline): Conflicting classifications of pathogenicity. Review status: criteria provided, conflicting classifications (1 of 4 stars). 2 submissions from 2 submitters: Pathogenic (1); Uncertain significance (1). Last evaluated 2025-01-07.

Conditions:
Cardiovascular phenotype. Identifiers: MedGen CN230736.

Submissions (2):

Labcorp Genetics (formerly Invitae), Labcorp
Classification: Pathogenic. Last evaluated: 2025-01-07. Review status: criteria provided, single submitter. Criteria: Invitae Variant Classification Sherloc (09022015). Collection method: clinical testing. Allele origin: germline.
Comment: This sequence change creates a premature translational stop signal (p.Asp229Glyfs*15) in the LMF1 gene. It is expected to result in an absent or disrupted protein product. Loss-of-function variants in LMF1 are known to be pathogenic (PMID: 17994020, 19820022, 22239554). This variant is present in population databases (rs779869841, gnomAD 0.03%). This premature translational stop signal has been observed in individual(s) with hypertriglyceridemia (PMID: 36325899). ClinVar contains an entry for this variant (Variation ID: 2447056). For these reasons, this variant has been classified as Pathogenic.

Ambry Genetics
Classification: Uncertain significance for Cardiovascular phenotype. Last evaluated: 2022-12-29. Review status: criteria provided, single submitter. Criteria: Ambry Variant Classification Scheme 2023. Collection method: clinical testing. Allele origin: germline.
Comment: The c.685dupG variant, located in coding exon 5 of the LMF1 gene, results from a duplication of G at nucleotide position 685, causing a translational frameshift with a predicted alternate stop codon (p.D229Gfs*15). This alteration would be expected to result in loss of function by premature protein truncation or nonsense-mediated mRNA decay; however, this region of the LMF1 gene is excluded from other potentially biologically relevant LMF1 transcripts. Since supporting evidence is limited at this time, the clinical significance of this alteration remains unclear.

Literature cited by the submitters: PubMed 17994020 (cited by Labcorp Genetics (formerly Invitae), Labcorp); PubMed 19820022 (cited by Labcorp Genetics (formerly Invitae), Labcorp); PubMed 22239554 (cited by Labcorp Genetics (formerly Invitae), Labcorp); PubMed 36325899 (cited by Labcorp Genetics (formerly Invitae), Labcorp).

NM_022773.4(LMF1):c.685dup (p.Asp229fs)

Gene: LMF1 (lipase maturation factor 1; minus strand). Cytogenetic location: 16p13.3.
Variant type: Duplication.
Coding change: c.685dup on transcript NM_022773.4 (MANE Select); coding-DNA position 685, one base duplicated (G; older notation c.685dupG).
Protein change: p.Asp229fs; shifts the reading frame from aspartic acid 229.
Molecular consequence: frameshift variant. On other transcripts: non-coding transcript variant (1).
Genome position (GRCh38, 1-based): chr16:893,051, C duplicated on the plus strand (G on the coding strand, the reverse complement: LMF1 is on the minus strand); the first of 6 consecutive C bases (chr16:893,051-893,056); duplicating any one gives the same sequence. VCF-style (leftmost placement, unchanged base first): chr16-893050-T-TC. GRCh37 (hg19) VCF-style: chr16-943050-T-TC.
Other names: c.34dup, p.Asp12fs (NM_001352017.2, NM_001352021.2); c.286dup, p.Asp96fs (NM_001352018.2); c.358dup, p.Asp120fs (NM_001352019.2); c.685dup, p.Asp229fs (NM_001352020.1); short protein forms D120fs, D229fs, D96fs, D12fs.
Identifiers: ClinVar variation 2447056 (VCV002447056.4), dbSNP rs779869841, ClinGen allele CA7797411.
Genomic context (GRCh38, chr16:893,050, plus strand): 5'-CTGCACGGCACGCTCACCTCATAGTGGAAGTCCATGCAGGTGAGGTCTCGCCAGCACCGG[T>TC]CCCCCCGGATCTTGATCAGGCCCTGCAAGGAAGAGAGCAGAGGGAGAGTCAGTCACAGGG-3'